The following is an entry in ClinVar:

ClinVar aggregate classification (germline): Uncertain significance. Review status: criteria provided, multiple submitters, no conflicts (2 of 4 stars). 4 submissions from 4 submitters: Uncertain significance (4). Last evaluated 2026-03-16.

Conditions:
SCN11A-related disorder. Also called: SCN11A-related condition.
Hereditary sensory and autonomic neuropathy type 7. Also called: Neuropathy, hereditary sensory and autonomic, type VII; HSAN VII. Identifiers: Orphanet 391397, MedGen C3809882, MONDO:0014244, OMIM 615548.
Familial episodic pain syndrome with predominantly lower limb involvement. Also called: Episodic pain syndrome, familial, 3. Identifiers: Orphanet 391384, Orphanet 391392, MedGen C3809899, MONDO:0014247, OMIM 615552.
Inborn genetic diseases. Identifiers: MedGen C0950123, MeSH D030342.

Allele frequency attached by ClinVar (database versions not stated): ExAC 0.00001; gnomAD exomes 0.00001; 1000 Genomes Project 30x 0.00016; gnomAD 0.00018 and 0.00022; 1000 Genomes Project 0.00020; TOPMed 0.00046.
gnomAD v4.1: 43 of 1,614,202 alleles (0.0027%); highest among the groups gnomAD compares: Admixed American, 0.055%; no homozygotes.

Submissions (4):

PreventionGenetics, part of Exact Sciences
Classification: Uncertain significance for SCN11A-related condition. Last evaluated: 2026-03-16. Review status: criteria provided, single submitter. Criteria: ACMG Guidelines, 2015. Collection method: clinical testing. Allele origin: germline.
Comment: The SCN11A c.2576G>A variant is predicted to result in the amino acid substitution p.Arg859Lys. To our knowledge, this variant has not been reported in the literature. This variant is reported in 0.0085% of alleles in individuals of Latino descent in gnomAD. At this time, the clinical significance of this variant is uncertain due to the absence of conclusive functional and genetic evidence.

Women's Health and Genetics/Laboratory Corporation of America, LabCorp
Classification: Uncertain significance. Last evaluated: 2025-11-05. Review status: criteria provided, single submitter. Criteria: LabCorp Variant Classification Summary - May 2015. Collection method: clinical testing. Allele origin: germline.
Comment: Variant summary: SCN11A c.2576G>A (p.Arg859Lys) results in a conservative amino acid change in the encoded protein sequence. Algorithms developed to predict the effect of missense changes on protein structure and function all suggest that this variant is likely to be tolerated. The variant allele was found at a frequency of 1.2e-05 in 251342 control chromosomes. The available data on variant occurrences in the general population are insufficient to allow any conclusion about variant significance. To our knowledge, no occurrence of c.2576G>A in individuals affected with SCN11A-related conditions and no experimental evidence demonstrating its impact on protein function have been reported. ClinVar contains an entry for this variant (Variation ID: 541548). Based on the evidence outlined above, the variant was classified as uncertain significance.

Labcorp Genetics (formerly Invitae), Labcorp
Classification: Uncertain significance for Familial episodic pain syndrome with predominantly lower limb involvement; Hereditary sensory and autonomic neuropathy type 7. Last evaluated: 2025-05-22. Review status: criteria provided, single submitter. Criteria: Invitae Variant Classification Sherloc (09022015). Collection method: clinical testing. Allele origin: germline.
Comment: This sequence change replaces arginine, which is basic and polar, with lysine, which is basic and polar, at codon 859 of the SCN11A protein (p.Arg859Lys). This variant is present in population databases (rs539550341, gnomAD 0.009%). This variant has not been reported in the literature in individuals affected with SCN11A-related conditions. ClinVar contains an entry for this variant (Variation ID: 541548). An algorithm developed to predict the effect of missense changes on protein structure and function outputs the following: PolyPhen-2: "Benign". The lysine amino acid residue is found in multiple mammalian species, which suggests that this missense change does not adversely affect protein function. In summary, the available evidence is currently insufficient to determine the role of this variant in disease. Therefore, it has been classified as a Variant of Uncertain Significance.

Ambry Genetics
Classification: Uncertain significance for Inborn genetic diseases. Last evaluated: 2022-04-19. Review status: criteria provided, single submitter. Criteria: Ambry Variant Classification Scheme 2023. Collection method: clinical testing. Allele origin: germline.
Comment: The p.R859K variant (also known as c.2576G>A), located in coding exon 15 of the SCN11A gene, results from a G to A substitution at nucleotide position 2576. The arginine at codon 859 is replaced by lysine, an amino acid with highly similar properties. This amino acid position is not well conserved in available vertebrate species. In addition, this alteration is predicted to be tolerated by in silico analysis. Since supporting evidence is limited at this time, the clinical significance of this alteration remains unclear.

NM_001349253.2(SCN11A):c.2576G>A (p.Arg859Lys)

Gene: SCN11A (sodium voltage-gated channel alpha subunit 11; minus strand). Cytogenetic location: 3p22.2.
Variant type: single nucleotide variant.
Coding change: c.2576G>A on transcript NM_001349253.2 (MANE Select); coding-DNA position 2576, G replaced by A.
Protein change: p.Arg859Lys; replaces arginine 859 with lysine.
Molecular consequence: missense variant.
Genome position (GRCh38, 1-based): chr3:38,894,792, C>T on the plus strand (G>A on the coding strand, the complement: SCN11A is on the minus strand). VCF-style: chr3-38894792-C-T. GRCh37 (hg19) VCF-style: chr3-38936283-C-T.
Other names: c.2576G>A, p.Arg859Lys (NM_014139.3); short protein forms R859K.
Identifiers: ClinVar variation 541548 (VCV000541548.12), dbSNP rs539550341, ClinGen allele CA2322012.